The following is an entry in ClinVar:

NM_017934.7(PHIP):c.412G>T (p.Val138Phe)

Gene: PHIP (PHIP subunit of CUL4-Ring ligase complex; minus strand). Cytogenetic location: 6q14.1.
Variant type: single nucleotide variant.
Coding change: c.412G>T on transcript NM_017934.7 (MANE Select); coding-DNA position 412, G replaced by T.
Protein change: p.Val138Phe; replaces valine 138 with phenylalanine.
Molecular consequence: missense variant.
Genome position (GRCh38, 1-based): chr6:79,060,505, C>A on the plus strand (G>T on the coding strand, the complement: PHIP is on the minus strand). VCF-style: chr6-79060505-C-A. GRCh37 (hg19) VCF-style: chr6-79770222-C-A.
Other names: short protein forms V138F.
Identifiers: ClinVar variation 4527437 (VCV004527437.2).

ClinVar aggregate classification (germline): Uncertain significance (1 of 4 stars; one submission).

Submission:

GeneDx
Classification: Uncertain significance. Last evaluated: 2026-05-11. Review status: criteria provided, single submitter. Criteria: GeneDx Variant Classification Process June 2021. Collection method: clinical testing. Allele origin: germline.
Comment: Not observed at significant frequency in large population cohorts (gnomAD); In silico analysis supports that this missense variant has a deleterious effect on protein structure/function; Has not been previously published as pathogenic or benign to our knowledge